The following is an entry in ClinVar:

ClinVar aggregate classification (germline): Uncertain significance (1 of 4 stars; one submission).

Allele frequency attached by ClinVar (database versions not stated): ExAC 0.00001; gnomAD 0.00001; gnomAD exomes 0.00001.
gnomAD v4.1: 12 of 1,612,336 alleles (0.00074%); highest among the groups gnomAD compares: South Asian, 0.0033%; no homozygotes.

Submissions (2):

Labcorp Genetics (formerly Invitae), Labcorp
Classification: Uncertain significance. Last evaluated: 2023-04-09. Review status: criteria provided, single submitter. Criteria: Invitae Variant Classification Sherloc (09022015). Collection method: clinical testing. Allele origin: germline.
Comment: This variant has not been reported in the literature in individuals affected with FAR1-related conditions. In summary, the available evidence is currently insufficient to determine the role of this variant in disease. Therefore, it has been classified as a Variant of Uncertain Significance. Advanced modeling of protein sequence and biophysical properties (such as structural, functional, and spatial information, amino acid conservation, physicochemical variation, residue mobility, and thermodynamic stability) performed at Invitae indicates that this missense variant is not expected to disrupt FAR1 protein function. This variant is present in population databases (rs767792106, gnomAD 0.005%). This sequence change replaces arginine, which is basic and polar, with glycine, which is neutral and non-polar, at codon 298 of the FAR1 protein (p.Arg298Gly).

Dr. Peter K. Rogan Lab, Western University
No classification provided (evidence only). Condition: Malignant lymphoma, large B-cell, diffuse. Review status: no classification provided. Collection method: in vitro. Allele origin: not applicable. Functional consequence: retained intron. Not counted in ClinVar's aggregate classification.

NM_032228.6(FAR1):c.892A>G (p.Arg298Gly)

Gene: FAR1 (fatty acyl-CoA reductase 1; plus strand). Cytogenetic location: 11p15.3.
Variant type: single nucleotide variant.
Coding change: c.892A>G on transcript NM_032228.6 (MANE Select); coding-DNA position 892, A replaced by G.
Protein change: p.Arg298Gly; replaces arginine 298 with glycine.
Molecular consequence: missense variant.
Genome position (GRCh38, 1-based): chr11:13,712,970, A>G. VCF-style: chr11-13712970-A-G. GRCh37 (hg19) VCF-style: chr11-13734517-A-G.
Other names: short protein forms R298G.
Identifiers: ClinVar variation 2966587 (VCV002966587.4), dbSNP rs767792106, ClinGen allele CA5893417.
Genomic context (GRCh38, chr11:13,712,970, plus strand): 5'-ATTGGATATGTTTGGCCTCTTATTATGATTAATTGGTTTCATCTTTGTCTTTGCAGACCA[A>G]GAAACATCATGGTGTATAATTGTACAACAGGCAGCACTAATCCTTTCCACTGGGGTGAAG-3'
Protein context (NP_115604.1, residues 288-308): AAWYSGVNRP[Arg298Gly]NIMVYNCTTG